The following is an entry in ClinVar:

NM_015030.2(FRYL):c.1987-1G>A

Gene: FRYL (FRY like transcription coactivator; minus strand). Cytogenetic location: 4p11.
Variant type: single nucleotide variant.
Coding change: c.1987-1G>A on transcript NM_015030.2 (MANE Select); the canonical splice acceptor site of the intron before coding-DNA position 1987, G replaced by A.
Molecular consequence: splice acceptor variant.
Genome position (GRCh38, 1-based): chr4:48,581,606, C>T on the plus strand (G>A on the coding strand, the complement: FRYL is on the minus strand). VCF-style: chr4-48581606-C-T. GRCh37 (hg19) VCF-style: chr4-48583623-C-T.
Other names: c.1987-1G>A (NM_015030.1).
Identifiers: ClinVar variation 2692419 (VCV002692419.4).

ClinVar aggregate classification (germline): Uncertain significance. Review status: criteria provided, multiple submitters, no conflicts (2 of 4 stars). 2 submissions from 2 submitters: Uncertain significance (2). Last evaluated 2026-04-01.

Conditions:
FRYL-related developmental disorder.

Submissions (2):

Ambry Genetics
Classification: Uncertain significance. Last evaluated: 2026-04-01. Review status: criteria provided, single submitter. Criteria: Ambry Variant Classification Scheme 2023. Collection method: clinical testing. Allele origin: germline.
Comment: The c.1987-1G>A intronic variant results from a G to A substitution one nucleotide before exon 21 (coding exon 18) of the FRYL gene. Alterations that disrupt the canonical splice site are expected to cause aberrant splicing, resulting in an abnormal protein or a transcript that is subject to nonsense-mediated mRNA decay. However, loss of function of FRYL has not been established as a mechanism of disease. This variant was not reported in population-based cohorts in the Genome Aggregation Database (gnomAD). This variant was reported in individual(s) with some features of FRYL-related neurodevelopmental disorder; in at least one individual, it was determined to be de novo (Pan, 2024). This nucleotide position is highly conserved in available vertebrate species. RNA studies have demonstrated that this variant results in a splice defect; the clinical impact of this abnormal splicing is unknown at this time (Ambry internal data). In silico splice site analysis predicts that this alteration will weaken the native splice acceptor site and will result in the creation or strengthening of a novel splice acceptor site. Based on insufficient or conflicting evidence, the clinical significance of this alteration remains unclear.

Wendy Chung Laboratory, Boston Children's Hospital
Classification: Uncertain significance for FRYL-related developmental disorder. Last evaluated: 2024-02-02. Review status: criteria provided, single submitter. Criteria: ACMG Guidelines, 2015. Collection method: clinical testing. Allele origin: de novo. Affected: yes. Observed: 1 variant allele.

Literature cited by the submitters: PubMed 38479391 (cited by Ambry Genetics).